The following is an entry in ClinVar:

ClinVar aggregate classification (germline): Pathogenic (1 of 4 stars; one submission).

Conditions:
Amelogenesis imperfecta type 1C. Also called: AMELOGENESIS IMPERFECTA, LOCAL HYPOPLASTIC TYPE, AUTOSOMAL RECESSIVE. Identifiers: Orphanet 88661, MedGen C2673923, MONDO:0008770, OMIM 204650. Disease mechanism: loss of function.

Submission:

Leeds Amelogenesis Imperfecta Research Group, University of Leeds
Classification: Pathogenic for Amelogenesis imperfecta type 1C. Last evaluated: 2026-03-18. Review status: criteria provided, single submitter. Criteria: ACMG Guidelines, 2015. Collection method: research. Allele origin: biparental. Inheritance: Autosomal recessive inheritance. Affected: yes. Observed: 1 variant allele, 1 homozygote. Segregation with disease observed.
Comment: The NM_031889.3 c.1083G>A, is a nonsense variant in ENAM predicted to result in p.(Trp361*) (PVS1). Variants in ENAM have been previously identified in individuals with amelogenesis imperfecta and published as the cause of disease with both autosomal dominant (most commonly) and autosomal recessive inheritance patterns. This variant has been identified in one consanguineous Sudanese family with hypoplastic amelogenesis imperfecta (PP4). The variant was identified through small molecule molecular inversion probe capture and sequencing of 19 genes associated with amelogenesis imperfecta. The variant segregated with disease in 5 family members and was homozygous in all affected individuals (PM3). Added as moderate segregation evidence in Franklin (PP1). This variant is not reported in gnomAD (v.4.1.0) (PM2), nor previously in ClinVar. CADD (v1.7) analysis showed this variant to have a score of 34.0 (20 indicates that the variant is in the top 1% of most deleterious variants of the genome, 30 indicates that it is in the top 0.1%). Aggregated score on Franklin shows this variant’s score to be Pathogenic. The family and the variant have been reported by Hany et al. 2025 (PMID:40741335). In summary, this variant meets criteria to be classified as Pathogenic for amelogenesis imperfecta based on the ACMG/AMP criteria applied, as specified: PP1, PP4, PM3, PVS1, PM2.

Literature cited by the submitters: PubMed 40741335.

NM_031889.3(ENAM):c.1083G>A (p.Trp361Ter)

Gene: ENAM (enamelin; plus strand). Cytogenetic location: 4q13.3.
Variant type: single nucleotide variant.
Coding change: c.1083G>A on transcript NM_031889.3 (MANE Select); coding-DNA position 1083, G replaced by A.
Protein change: p.Trp361Ter; replaces tryptophan 361 with a stop codon.
Molecular consequence: nonsense.
Genome position (GRCh38, 1-based): chr4:70,642,509, G>A. VCF-style: chr4-70642509-G-A. GRCh37 (hg19) VCF-style: chr4-71508226-G-A.
Other names: c.429G>A, p.Trp143Ter (NM_001368133.1); short protein forms W143*, W361*.
Identifiers: ClinVar variation 4813874 (VCV004813874.1).